The following is an entry in ClinVar:

NM_000302.4(PLOD1):c.534C>A (p.Ser178Arg)

Gene: PLOD1 (procollagen-lysine,2-oxoglutarate 5-dioxygenase 1; plus strand). Cytogenetic location: 1p36.22.
Variant type: single nucleotide variant.
Coding change: c.534C>A on transcript NM_000302.4 (MANE Select); coding-DNA position 534, C replaced by A.
Protein change: p.Ser178Arg; replaces serine 178 with arginine.
Molecular consequence: missense variant.
Genome position (GRCh38, 1-based): chr1:11,952,690, C>A. VCF-style: chr1-11952690-C-A. GRCh37 (hg19) VCF-style: chr1-12012747-C-A.
Other names: c.675C>A, p.Ser225Arg (NM_001316320.2); short protein forms S178R, S225R.
Identifiers: ClinVar variation 459821 (VCV000459821.8), dbSNP rs113384442, ClinGen allele CA597931.

ClinVar aggregate classification (germline): Uncertain significance. Review status: criteria provided, multiple submitters, no conflicts (2 of 4 stars). 3 submissions from 3 submitters: Uncertain significance (3). Last evaluated 2024-12-23.

Conditions:
Familial thoracic aortic aneurysm and aortic dissection (TAAD). Also called: Thoracic aortic aneurysms and dissections. Identifiers: Orphanet 91387, MedGen C4707243, MONDO:0019625.
Ehlers-Danlos syndrome, kyphoscoliotic type 1 (EDSKSCL1). Also called: EHLERS-DANLOS SYNDROME, TYPE VIA; Ehlers-Danlos syndrome, hydroxylysine-deficient; EHLERS-DANLOS SYNDROME, OCULAR-SCOLIOTIC TYPE; PLOD1-Related Kyphoscoliotic Ehlers-Danlos Syndrome. Identifiers: Orphanet 1900, MedGen C0268342, MONDO:0016002, OMIM 225400. Disease mechanism: loss of function.

Allele frequency attached by ClinVar (database versions not stated): TOPMed 0.00004.
gnomAD v4.1: 40 of 1,613,960 alleles (0.0025%); highest among the groups gnomAD compares: Middle Eastern, 0.016%; no homozygotes.

Submissions (3):

Ambry Genetics
Classification: Uncertain significance for Familial thoracic aortic aneurysm and aortic dissection. Last evaluated: 2024-12-23. Review status: criteria provided, single submitter. Criteria: Ambry Variant Classification Scheme 2023. Collection method: clinical testing. Allele origin: germline.
Comment: The p.S178R variant (also known as c.534C>A), located in coding exon 5 of the PLOD1 gene, results from a C to A substitution at nucleotide position 534. The serine at codon 178 is replaced by arginine, an amino acid with dissimilar properties. This variant was identified in the heterozygous state in one or more individuals with features consistent with thoracic aortic aneurysm and dissection (TAAD) and segregated with disease in at least one family (Koenig SN et al. Transl Res, 2022 Jan;239:1-17). Functional studies suggest this variant may impact protein function; however, the physiological relevance of this finding is unclear (Koenig SN et al. Transl Res, 2022 Jan;239:1-17). This amino acid position is well conserved in available vertebrate species. In addition, this alteration is predicted to be tolerated by in silico analysis. Based on the available evidence, the clinical significance of this variant remains unclear.

Labcorp Genetics (formerly Invitae), Labcorp
Classification: Uncertain significance for Ehlers-Danlos syndrome, kyphoscoliotic type 1. Last evaluated: 2022-02-10. Review status: criteria provided, single submitter. Criteria: Invitae Variant Classification Sherloc (09022015). Collection method: clinical testing. Allele origin: germline.
Comment: This sequence change replaces serine, which is neutral and polar, with arginine, which is basic and polar, at codon 178 of the PLOD1 protein (p.Ser178Arg). This variant is present in population databases (rs113384442, gnomAD 0.003%). This variant has not been reported in the literature in individuals affected with PLOD1-related conditions. ClinVar contains an entry for this variant (Variation ID: 459821). Algorithms developed to predict the effect of missense changes on protein structure and function are either unavailable or do not agree on the potential impact of this missense change (SIFT: "Tolerated"; PolyPhen-2: "Probably Damaging"; Align-GVGD: "Class C15"). In summary, the available evidence is currently insufficient to determine the role of this variant in disease. Therefore, it has been classified as a Variant of Uncertain Significance.

Center for Genomics, Ann and Robert H. Lurie Children's Hospital of Chicago
Classification: Uncertain significance for Ehlers-Danlos syndrome, kyphoscoliotic type 1. Last evaluated: 2022-01-21. Review status: criteria provided, single submitter. Criteria: ACMG Guidelines, 2015. Collection method: clinical testing. Allele origin: germline.
Comment: This variant has been reported in the literature in the heterozygous state in an individual with aortic aneurysm, segregating with aortic dilation or dissection in at least 4 family members (Koenig 2021 PMID:34400365). This variant is present in 0.003% (1/34592) of Latino alleles in the Genome Aggregation Database and in ClinVar (Variation ID:459821). Computational predictive tools for this variant suggest that this variant does not impact the protein, but evolutionary conservation is unclear. In vitro functional study and computational structural analysis suggest that this variant may have a minor impact on the protein (Koenig 2021 PMID:34400365). However, these studies may not accurately represent in vivo biological function. In summary, data on this variant is insufficient for disease classification. Therefore, the clinical significance of this variant is uncertain.

Literature cited by the submitters: PubMed 34400365 (cited by Ambry Genetics).